The following is an entry in ClinVar:

ClinVar aggregate classification (germline): Uncertain significance. Review status: criteria provided, multiple submitters, no conflicts (2 of 4 stars). 2 submissions from 2 submitters: Uncertain significance (2). Last evaluated 2023-07-25.

Allele frequency attached by ClinVar (database versions not stated): TOPMed below 0.00001; ExAC 0.00001; gnomAD exomes 0.00001; ESP Exome Variant Server 0.00015.
gnomAD v4.1: 21 of 1,605,996 alleles (0.0013%); highest among the groups gnomAD compares: Non-Finnish European, 0.0016%; no homozygotes.

Submissions (2):

Labcorp Genetics (formerly Invitae), Labcorp
Classification: Uncertain significance. Last evaluated: 2023-07-25. Review status: criteria provided, single submitter. Criteria: Invitae Variant Classification Sherloc (09022015). Collection method: clinical testing. Allele origin: germline.
Comment: In summary, the available evidence is currently insufficient to determine the role of this variant in disease. Therefore, it has been classified as a Variant of Uncertain Significance. An algorithm developed to predict the effect of missense changes on protein structure and function (PolyPhen-2) suggests that this variant is likely to be tolerated. ClinVar contains an entry for this variant (Variation ID: 1910695). This variant has not been reported in the literature in individuals affected with ZNF513-related conditions. This variant is present in population databases (rs146147939, gnomAD 0.002%). This sequence change replaces glycine, which is neutral and non-polar, with serine, which is neutral and polar, at codon 318 of the ZNF513 protein (p.Gly318Ser).

Blueprint Genetics
Classification: Uncertain significance. Last evaluated: 2021-08-23. Review status: criteria provided, single submitter. Criteria: ACMG Guidelines, 2015. Collection method: clinical testing. Allele origin: germline.

NM_144631.6(ZNF513):c.952G>A (p.Gly318Ser)

Gene: ZNF513 (zinc finger protein 513; minus strand). Cytogenetic location: 2p23.3.
Variant type: single nucleotide variant.
Coding change: c.952G>A on transcript NM_144631.6 (MANE Select); coding-DNA position 952, G replaced by A.
Protein change: p.Gly318Ser; replaces glycine 318 with serine.
Molecular consequence: missense variant.
Genome position (GRCh38, 1-based): chr2:27,378,219, C>T on the plus strand (G>A on the coding strand, the complement: ZNF513 is on the minus strand). VCF-style: chr2-27378219-C-T. GRCh37 (hg19) VCF-style: chr2-27601086-C-T.
Other names: c.766G>A, p.Gly256Ser (NM_001201459.2); short protein forms G318S, G256S.
Identifiers: ClinVar variation 1910695 (VCV001910695.6), dbSNP rs146147939, ClinGen allele CA1577892.
Genomic context (GRCh38, chr2:27,378,219, plus strand): 5'-GCCCACACATGGCAGCTCCCAGCCGACTACCCTCACCCTCCTCCAGCTCTTGTCCACAGC[C>T]CCGGCAGGTCCAAGGGAATAGCAGCTCTGGCAGTGGTTCTGATCCAGTCCCGCAGAGGCC-3'
Protein context (NP_653232.3, residues 308-328): PELLFPWTCR[Gly318Ser]CGQELEEGEG